The following is an entry in ClinVar:

ClinVar aggregate classification (germline): Uncertain significance (1 of 4 stars; one submission).

Conditions:
RASopathy. Also called: rasopathies; Noonan spectrum disorder. Identifiers: Orphanet 536391, MedGen C5555857, MONDO:0021060.

Submission:

Labcorp Genetics (formerly Invitae), Labcorp
Classification: Uncertain significance for RASopathy. Last evaluated: 2021-11-01. Review status: criteria provided, single submitter. Criteria: Invitae Variant Classification Sherloc (09022015). Collection method: clinical testing. Allele origin: germline.
Comment: Algorithms developed to predict the effect of missense changes on protein structure and function (SIFT, PolyPhen-2, Align-GVGD) all suggest that this variant is likely to be tolerated. This variant has not been reported in the literature in individuals affected with SOS1-related conditions. In summary, the available evidence is currently insufficient to determine the role of this variant in disease. Therefore, it has been classified as a Variant of Uncertain Significance. This sequence change replaces asparagine, which is neutral and polar, with aspartic acid, which is acidic and polar, at codon 1117 of the SOS1 protein (p.Asn1117Asp). This variant is not present in population databases (gnomAD no frequency).

NM_005633.4(SOS1):c.3349A>G (p.Asn1117Asp)

Gene: SOS1 (SOS Ras/Rac guanine nucleotide exchange factor 1; minus strand). Cytogenetic location: 2p22.1.
Variant type: single nucleotide variant.
Coding change: c.3349A>G on transcript NM_005633.4 (MANE Select); coding-DNA position 3349, A replaced by G.
Protein change: p.Asn1117Asp; replaces asparagine 1117 with aspartic acid.
Molecular consequence: missense variant. On other transcripts: intron variant (1).
Genome position (GRCh38, 1-based): chr2:38,989,312, T>C on the plus strand (A>G on the coding strand, the complement: SOS1 is on the minus strand). VCF-style: chr2-38989312-T-C. GRCh37 (hg19) VCF-style: chr2-39216453-T-C.
Other names: c.3328A>G, p.Asn1110Asp (NM_001382394.1); c.3347-1721A>G (NM_001382395.1); short protein forms N1110D, N1117D.
Identifiers: ClinVar variation 1387748 (VCV001387748.6), dbSNP rs2124462850, ClinGen allele CA346359907.